The following is an entry in ClinVar:

NM_006493.4(CLN5):c.347T>C (p.Met116Thr)

Gene: CLN5 (CLN5 lysosomal BMP synthase; plus strand). Cytogenetic location: 13q22.3.
Variant type: single nucleotide variant.
Coding change: c.347T>C on transcript NM_006493.4 (MANE Select); coding-DNA position 347, T replaced by C.
Protein change: p.Met116Thr; replaces methionine 116 with threonine.
Molecular consequence: missense variant.
Genome position (GRCh38, 1-based): chr13:76,995,909, T>C. VCF-style: chr13-76995909-T-C. GRCh37 (hg19) VCF-style: chr13-77570044-T-C.
Other names: c.347T>C, p.Met116Thr (NM_001366624.2); short protein forms M116T.
Identifiers: ClinVar variation 1362697 (VCV001362697.8), dbSNP rs2154034705, ClinGen allele CA388308603.

ClinVar aggregate classification (germline): Uncertain significance (1 of 4 stars; one submission).

Conditions:
Neuronal ceroid lipofuscinosis. Also called: Neuronal Ceroid Lipofuscinoses. Identifiers: Orphanet 216, Orphanet 79263, MedGen C0027877, MONDO:0016295. Disease mechanism: loss of function.

Submission:

Labcorp Genetics (formerly Invitae), Labcorp
Classification: Uncertain significance for Neuronal ceroid lipofuscinosis. Last evaluated: 2023-07-07. Review status: criteria provided, single submitter. Criteria: Invitae Variant Classification Sherloc (09022015). Collection method: clinical testing. Allele origin: germline.
Comment: This sequence change replaces methionine, which is neutral and non-polar, with threonine, which is neutral and polar, at codon 165 of the CLN5 protein (p.Met165Thr). This variant is not present in population databases (gnomAD no frequency). This variant has not been reported in the literature in individuals affected with CLN5-related conditions. ClinVar contains an entry for this variant (Variation ID: 1362697). Advanced modeling of protein sequence and biophysical properties (such as structural, functional, and spatial information, amino acid conservation, physicochemical variation, residue mobility, and thermodynamic stability) has been performed at Invitae for this missense variant, however the output from this modeling did not meet the statistical confidence thresholds required to predict the impact of this variant on CLN5 protein function. In summary, the available evidence is currently insufficient to determine the role of this variant in disease. Therefore, it has been classified as a Variant of Uncertain Significance.